The following is an entry in ClinVar:

ClinVar aggregate classification (germline): Pathogenic (1 of 4 stars; one submission).

Conditions:
Holoprosencephaly 3 (HPE3). Identifiers: Orphanet 2162, MedGen C1840529, MONDO:0007733, OMIM 142945.

Submission:

Victorian Clinical Genetics Services, Murdoch Childrens Research Institute
Classification: Pathogenic for Holoprosencephaly 3. Last evaluated: 2023-07-16. Review status: criteria provided, single submitter. Criteria: ACMG Guidelines, 2015. Collection method: clinical testing. Allele origin: germline. Inheritance: Autosomal dominant inheritance. Affected: yes.
Comment: Based on the classification scheme VCGS_Germline_v1.3.4, this variant is classified as Pathogenic. Following criteria are met: 0103 - Dominant negative and loss of function are known mechanisms of disease in this gene and are associated with holoprosencephaly 3 (MIM#142945), microphthalmia with coloboma 5 (MIM#611638), and single median maxillary central incisor (MIM#147250). Loss of function is the typical disease mechanism; however dominant negative has been reported for one missense variant (PMID: 19057928). (I) 0107 - This gene is associated with autosomal dominant disease. (I) 0112 - The condition associated with this gene has incomplete penetrance and is associated with holoprosencephaly 3 (MIM#142945) and microphthalmia with coloboma 5 (MIM#611638) (OMIM, PMID: 20104608). (I) 0115 - Variants in this gene are known to have variable expressivity associated with holoprosencephaly 3 (MIM#142945) (PMID: 20104608). (I) 0201 - Variant is predicted to cause nonsense-mediated decay (NMD) and loss of protein (premature termination codon is located at least 54 nucleotides upstream of the final exon-exon junction). (SP) 0251 - This variant is heterozygous. (I) 0301 - Variant is absent from gnomAD (both v2 and v3). (SP) 0701 - Other null variants comparable to the one identified in this case have very strong previous evidence for pathogenicity. There are at least ten NMD-predicted variants that have been classified as likely pathogenic or pathogenic (DECIPHER). (SP) 0803 - This variant has limited previous evidence of pathogenicity in an unrelated individual. This variant has been reported in one individual in a large multi-centre study on holoprosencephaly (PMID: 19603532). (SP) 0903 - This variant has limited evidence for segregation with disease. This variant has been reported in one family with five affected family members displaying the following clinical phenotypes: semilobar holoprosencephaly (one individual), holoprosencephaly type unknown (two individuals) and microform (two individuals) (PMID: 22791840). (SP) 1007 - No published functional evidence has been identified for this variant. (I) 1208 - Inheritance information for this variant is not currently available in this individual. (I) Legend: (SP) - Supporting pathogenic, (I) - Information, (SB) - Supporting benign

Literature cited by the submitters: PubMed 19057928; PubMed 19603532; PubMed 20104608; PubMed 22791840.

NM_000193.4(SHH):c.136C>T (p.Gln46Ter)

Gene: SHH (sonic hedgehog signaling molecule; minus strand). Cytogenetic location: 7q36.3.
Variant type: single nucleotide variant.
Coding change: c.136C>T on transcript NM_000193.4 (MANE Select); coding-DNA position 136, C replaced by T.
Protein change: p.Gln46Ter; replaces glutamine 46 with a stop codon.
Molecular consequence: nonsense.
Genome position (GRCh38, 1-based): chr7:155,811,987, G>A on the plus strand (C>T on the coding strand, the complement: SHH is on the minus strand). VCF-style: chr7-155811987-G-A. GRCh37 (hg19) VCF-style: chr7-155604681-G-A.
Other names: short protein forms Q46*.
Identifiers: ClinVar variation 3254599 (VCV003254599.1), dbSNP rs2535910513.
Genomic context (GRCh38, chr7:155,811,987, plus strand): 5'-TCTTCCCTTCATACCTTCCGCTGGCGCCTAGGGTCTTCTCGGCCACATTGGGGATAAACT[G>A]CTTGTAGGCTAAAGGGGTCAGCTTTTTGGGGTGCCTCCTCTTCCCGAACCCCCTGCCCGG-3'